The following is an entry in ClinVar:

ClinVar aggregate classification (germline): Uncertain significance. Review status: criteria provided, multiple submitters, no conflicts (2 of 4 stars). 2 submissions from 2 submitters: Uncertain significance (2). Last evaluated 2026-09-17.

Conditions:
CFI-related disorder. Also called: CFI-related disorders; CFI-related condition. Identifiers: MedGen CN239325.

Allele frequency attached by ClinVar (database versions not stated): gnomAD 0.00002; gnomAD exomes 0.00002; ExAC 0.00003; 1000 Genomes Project 30x 0.00031; 1000 Genomes Project 0.00040.
gnomAD v4.1: 40 of 1,613,584 alleles (0.0025%); highest among the groups gnomAD compares: Middle Eastern, 0.016%; no homozygotes.

Submissions (2):

Genomenon, Inc
Classification: Uncertain significance for CFI-related disorder. Last evaluated: 2026-09-17. Review status: criteria provided, single submitter. Criteria: Genomenon Sequence Variant Interpretation Standards - Updated. Collection method: curation. Allele origin: germline. Affected: no.
Comment: CFI p.Gly500Arg (c.1498G>A) is a missense variant that changes the amino acid at codon 500 from Glycine to Arginine. This variant has been reported in the published literature (PMID:37478687;32510551;32908800). This variant is located in a mutational hotspot and/or important functional domain. It is absent or not present at a significant frequency in gnomAD. In silico models predict that this variant is not damaging. In conclusion, we classify CFI p.Gly500Arg (c.1498G>A) as a variant of uncertain significance.

Labcorp Genetics (formerly Invitae), Labcorp
Classification: Uncertain significance. Last evaluated: 2025-03-18. Review status: criteria provided, single submitter. Criteria: Invitae Variant Classification Sherloc (09022015). Collection method: clinical testing. Allele origin: germline.
Comment: This sequence change replaces glycine, which is neutral and non-polar, with arginine, which is basic and polar, at codon 500 of the CFI protein (p.Gly500Arg). This variant is present in population databases (rs558749473, gnomAD 0.006%). This variant has not been reported in the literature in individuals affected with CFI-related conditions. ClinVar contains an entry for this variant (Variation ID: 2158573). Invitae Evidence Modeling of protein sequence and biophysical properties (such as structural, functional, and spatial information, amino acid conservation, physicochemical variation, residue mobility, and thermodynamic stability) indicates that this missense variant is not expected to disrupt CFI protein function with a negative predictive value of 80%. Experimental studies are conflicting or provide insufficient evidence to determine the effect of this variant on CFI function (PMID: 32510551, 32908800). In summary, the available evidence is currently insufficient to determine the role of this variant in disease. Therefore, it has been classified as a Variant of Uncertain Significance.

Literature cited by the submitters: PubMed 37478687 (cited by Genomenon, Inc); PubMed 32510551 (cited by Genomenon, Inc and Labcorp Genetics (formerly Invitae), Labcorp); PubMed 32908800 (cited by Genomenon, Inc and Labcorp Genetics (formerly Invitae), Labcorp).

NM_000204.5(CFI):c.1498G>A (p.Gly500Arg)

Gene: CFI (complement factor I; minus strand). Cytogenetic location: 4q25.
Variant type: single nucleotide variant.
Coding change: c.1498G>A on transcript NM_000204.5 (MANE Select); coding-DNA position 1498, G replaced by A.
Protein change: p.Gly500Arg; replaces glycine 500 with arginine.
Molecular consequence: missense variant. On other transcripts: non-coding transcript variant (3).
Genome position (GRCh38, 1-based): chr4:109,742,527, C>T on the plus strand (G>A on the coding strand, the complement: CFI is on the minus strand). VCF-style: chr4-109742527-C-T. GRCh37 (hg19) VCF-style: chr4-110663683-C-T.
Other names: c.1522G>A, p.Gly508Arg (NM_001318057.2, NM_001375278.1); c.1477G>A, p.Gly493Arg (NM_001331035.2, NM_001375280.1, NM_001375282.1); c.1498G>A, p.Gly500Arg (NM_001375279.1, NM_001375281.1); c.1441G>A, p.Gly481Arg (NM_001375283.1); c.889G>A, p.Gly297Arg (NM_001375284.1); short protein forms G481R, G493R, G508R, G297R, G500R.
Identifiers: ClinVar variation 2158573 (VCV002158573.6), dbSNP rs558749473, ClinGen allele CA3041882.